The following is an entry in ClinVar:

ClinVar aggregate classification (germline): Uncertain significance (1 of 4 stars; one submission).

Conditions:
RASopathy. Also called: rasopathies; Noonan spectrum disorder. Identifiers: Orphanet 536391, MedGen C5555857, MONDO:0021060.

Submission:

Labcorp Genetics (formerly Invitae), Labcorp
Classification: Uncertain significance for RASopathy. Last evaluated: 2025-12-24. Review status: criteria provided, single submitter. Criteria: Invitae Variant Classification Sherloc (09022015). Collection method: clinical testing. Allele origin: germline.
Comment: This sequence change creates a premature translational stop signal (p.Gln249Serfs*27) in the CBL gene. It is expected to result in an absent or disrupted protein product. However, the current clinical and genetic evidence is not sufficient to establish whether loss-of-function variants in CBL cause disease. This variant is not present in population databases (gnomAD no frequency). This variant has not been reported in the literature in individuals affected with CBL-related conditions. In summary, the available evidence is currently insufficient to determine the role of this variant in disease. Therefore, it has been classified as a Variant of Uncertain Significance.

NM_005188.4(CBL):c.744dup (p.Gln249fs)

Gene: CBL (Cbl proto-oncogene; plus strand). Cytogenetic location: 11q23.3.
Variant type: Duplication.
Coding change: c.744dup on transcript NM_005188.4 (MANE Select); coding-DNA position 744, one base duplicated (T; older notation c.744dupT).
Protein change: p.Gln249fs; shifts the reading frame from glutamine 249.
Molecular consequence: frameshift variant.
Genome position (GRCh38, 1-based): chr11:119,274,021, T duplicated; the last of 3 consecutive T bases (chr11:119,274,019-119,274,021); duplicating any one gives the same sequence. VCF-style (leftmost placement, unchanged base first): chr11-119274018-C-CT. GRCh37 (hg19) VCF-style: chr11-119144728-C-CT.
Other names: short protein forms Q249fs.
Identifiers: ClinVar variation 4733678 (VCV004733678.1).